The following is an entry in ClinVar:

NM_001378454.1(ALMS1):c.1588A>C (p.Thr530Pro)

Gene: ALMS1 (ALMS1 centrosome and basal body associated protein; plus strand). Cytogenetic location: 2p13.1.
Variant type: single nucleotide variant.
Coding change: c.1588A>C on transcript NM_001378454.1 (MANE Select); coding-DNA position 1588, A replaced by C.
Protein change: p.Thr530Pro; replaces threonine 530 with proline.
Molecular consequence: missense variant.
Genome position (GRCh38, 1-based): chr2:73,448,115, A>C. VCF-style: chr2-73448115-A-C. GRCh37 (hg19) VCF-style: chr2-73675242-A-C.
Other names: c.1591A>C, p.Thr531Pro (NM_015120.4); short protein forms T530P, T531P.
Identifiers: ClinVar variation 2501600 (VCV002501600.1), dbSNP rs778268073, ClinGen allele CA347264844.

ClinVar aggregate classification (germline): Uncertain significance (1 of 4 stars; one submission).

Submission:

GeneDx
Classification: Uncertain significance. Last evaluated: 2022-11-02. Review status: criteria provided, single submitter. Criteria: GeneDx Variant Classification Process June 2021. Collection method: clinical testing. Allele origin: germline. Affected: yes.
Comment: Not observed at significant frequency in large population cohorts (gnomAD); In silico analysis supports that this missense variant does not alter protein structure/function; Has not been previously published as pathogenic or benign to our knowledge